The following is an entry in ClinVar:

NM_015295.3(SMCHD1):c.1091C>T (p.Thr364Ile)

Gene: SMCHD1 (structural maintenance of chromosomes flexible hinge domain containing 1; plus strand). Cytogenetic location: 18p11.32.
Variant type: single nucleotide variant.
Coding change: c.1091C>T on transcript NM_015295.3 (MANE Select); coding-DNA position 1091, C replaced by T.
Protein change: p.Thr364Ile; replaces threonine 364 with isoleucine.
Molecular consequence: missense variant.
Genome position (GRCh38, 1-based): chr18:2,697,082, C>T. VCF-style: chr18-2697082-C-T. GRCh37 (hg19) VCF-style: chr18-2697080-C-T.
Other names: short protein forms T364I.
Identifiers: ClinVar variation 1995792 (VCV001995792.4), dbSNP rs1431191391, ClinGen allele CA401696361.

ClinVar aggregate classification (germline): Uncertain significance (1 of 4 stars; one submission).

Conditions:
Facioscapulohumeral muscular dystrophy 2 (FSHD2). Also called: MUSCULAR DYSTROPHY, FACIOSCAPULOHUMERAL, TYPE 1B; FACIOSCAPULOHUMERAL MUSCULAR DYSTROPHY 2, DIGENIC; FSHD2, DIGENIC. Identifiers: Orphanet 269, MedGen C1834671, MONDO:0008031, OMIM 158901.

Allele frequency attached by ClinVar (database versions not stated): gnomAD exomes below 0.00001.
gnomAD v4.1: 2 of 1,506,578 alleles (0.00013%); highest among the groups gnomAD compares: Non-Finnish European, 0.00018%; no homozygotes.

Submission:

Labcorp Genetics (formerly Invitae), Labcorp
Classification: Uncertain significance for Facioscapulohumeral muscular dystrophy 2. Last evaluated: 2022-08-08. Review status: criteria provided, single submitter. Criteria: Invitae Variant Classification Sherloc (09022015). Collection method: clinical testing. Allele origin: germline.
Comment: In summary, the available evidence is currently insufficient to determine the role of this variant in disease. Therefore, it has been classified as a Variant of Uncertain Significance. Algorithms developed to predict the effect of missense changes on protein structure and function (SIFT, PolyPhen-2, Align-GVGD) all suggest that this variant is likely to be tolerated. This variant has not been reported in the literature in individuals affected with SMCHD1-related conditions. This variant is not present in population databases (gnomAD no frequency). This sequence change replaces threonine, which is neutral and polar, with isoleucine, which is neutral and non-polar, at codon 364 of the SMCHD1 protein (p.Thr364Ile).